The following is an entry in ClinVar:

NM_001197104.2(KMT2A):c.10435T>G (p.Ser3479Ala)

Gene: KMT2A (lysine methyltransferase 2A; plus strand). Cytogenetic location: 11q23.3.
Variant type: single nucleotide variant.
Coding change: c.10435T>G on transcript NM_001197104.2 (MANE Select); coding-DNA position 10435, T replaced by G.
Protein change: p.Ser3479Ala; replaces serine 3479 with alanine.
Molecular consequence: missense variant.
Genome position (GRCh38, 1-based): chr11:118,506,327, T>G. VCF-style: chr11-118506327-T-G. GRCh37 (hg19) VCF-style: chr11-118377042-T-G.
Other names: c.10525T>G, p.Ser3509Ala (NM_001412597.1); c.10426T>G, p.Ser3476Ala (NM_005933.4); short protein forms S3476A, S3479A, S3509A.
Identifiers: ClinVar variation 2189014 (VCV002189014.3), dbSNP rs781991205, ClinGen allele CA6304747.

ClinVar aggregate classification (germline): Uncertain significance (1 of 4 stars; one submission).

Allele frequency attached by ClinVar (database versions not stated): ExAC 0.00001; gnomAD 0.00001; gnomAD exomes 0.00001; TOPMed 0.00002.
gnomAD v4.1: 10 of 1,614,148 alleles (0.00062%); highest among the groups gnomAD compares: Middle Eastern, 0.082%; no homozygotes.

Submission:

Labcorp Genetics (formerly Invitae), Labcorp
Classification: Uncertain significance. Last evaluated: 2024-11-21. Review status: criteria provided, single submitter. Criteria: Invitae Variant Classification Sherloc (09022015). Collection method: clinical testing. Allele origin: germline.
Comment: This sequence change replaces serine, which is neutral and polar, with alanine, which is neutral and non-polar, at codon 3479 of the KMT2A protein (p.Ser3479Ala). This variant is present in population databases (rs781991205, gnomAD 0.002%). This variant has not been reported in the literature in individuals affected with KMT2A-related conditions. ClinVar contains an entry for this variant (Variation ID: 2189014). Invitae Evidence Modeling of protein sequence and biophysical properties (such as structural, functional, and spatial information, amino acid conservation, physicochemical variation, residue mobility, and thermodynamic stability) indicates that this missense variant is not expected to disrupt KMT2A protein function with a negative predictive value of 95%. In summary, the available evidence is currently insufficient to determine the role of this variant in disease. Therefore, it has been classified as a Variant of Uncertain Significance.